The following is an entry in ClinVar:

ClinVar aggregate classification (germline): Uncertain significance (1 of 4 stars; one submission).

Conditions:
Hereditary cancer-predisposing syndrome. Also called: Hereditary Cancer Syndrome; Hereditary neoplastic syndrome; Neoplastic Syndromes, Hereditary; Tumor predisposition. Identifiers: Orphanet 140162, MedGen C0027672, MeSH D009386, MONDO:0015356.

Submission:

Ambry Genetics
Classification: Uncertain significance for Hereditary cancer-predisposing syndrome. Last evaluated: 2022-09-26. Review status: criteria provided, single submitter. Criteria: Ambry Variant Classification Scheme 2023. Collection method: clinical testing. Allele origin: germline.
Comment: The p.K345N variant (also known as c.1035G>C), located in coding exon 7 of the BRIP1 gene, results from a G to C substitution at nucleotide position 1035. The lysine at codon 345 is replaced by asparagine, an amino acid with similar properties. This amino acid position is conserved. In addition, this alteration is predicted to be tolerated by in silico analysis. Since supporting evidence is limited at this time, the clinical significance of this alteration remains unclear.

NM_032043.3(BRIP1):c.1035G>C (p.Lys345Asn)

Gene: BRIP1 (BRCA1 interacting DNA helicase 1; minus strand). Cytogenetic location: 17q23.2.
Variant type: single nucleotide variant.
Coding change: c.1035G>C on transcript NM_032043.3 (MANE Select); coding-DNA position 1035, G replaced by C.
Protein change: p.Lys345Asn; replaces lysine 345 with asparagine.
Molecular consequence: missense variant.
Genome position (GRCh38, 1-based): chr17:61,801,358, C>G on the plus strand (G>C on the coding strand, the complement: BRIP1 is on the minus strand). VCF-style: chr17-61801358-C-G. GRCh37 (hg19) VCF-style: chr17-59878719-C-G.
Other names: short protein forms K345N.
Identifiers: ClinVar variation 1772460 (VCV001772460.2), dbSNP rs2145336644, ClinGen allele CA400484068.
Genomic context (GRCh38, chr17:61,801,358, plus strand): 5'-TATGATGTCAGCATCTTGTATTAGTTCTCGGGCTGTGTAATATGGACAGGCCTTTAGTTT[C>G]TTCCCCAGGCTGACAAGTTCTTCTATATCCCAGGCTTTGCACATCCCTTGGAAAGTCTGT-3'
Protein context (NP_114432.2, residues 335-355): WDIEELVSLG[Lys345Asn]KLKACPYYTA